The following is an entry in ClinVar:

ClinVar aggregate classification (germline): Uncertain significance. Review status: criteria provided, multiple submitters, no conflicts (2 of 4 stars). 2 submissions from 2 submitters: Uncertain significance (2). Last evaluated 2024-10-08.

Submissions (2):

Women's Health and Genetics/Laboratory Corporation of America, LabCorp
Classification: Uncertain significance. Last evaluated: 2024-10-08. Review status: criteria provided, single submitter. Criteria: LabCorp Variant Classification Summary - May 2015. Collection method: clinical testing. Allele origin: germline.
Comment: Variant summary: SKI c.1994C>T (p.Ala665Val) results in a non-conservative amino acid change in the encoded protein sequence. Four of five in-silico tools predict a damaging effect of the variant on protein function. The variant was absent in 148748 control chromosomes. The available data on variant occurrences in the general population are insufficient to allow any conclusion about variant significance. To our knowledge, no occurrence of c.1994C>T in individuals affected with Aortopathy and no experimental evidence demonstrating its impact on protein function have been reported. ClinVar contains an entry for this variant (Variation ID: 623666). Based on the evidence outlined above, the variant was classified as uncertain significance.

CeGaT Center for Human Genetics Tuebingen
Classification: Uncertain significance. Last evaluated: 2018-07-01. Review status: criteria provided, single submitter. Criteria: CeGaT Center For Human Genetics Tuebingen Variant Classification Criteria Version 2. Collection method: clinical testing. Allele origin: germline. Affected: yes. Observed: 1 variant allele.

NM_003036.4(SKI):c.1994C>T (p.Ala665Val)

Gene: SKI (SKI proto-oncogene; plus strand). Cytogenetic location: 1p36.32.
Variant type: single nucleotide variant.
Coding change: c.1994C>T on transcript NM_003036.4 (MANE Select); coding-DNA position 1994, C replaced by T.
Protein change: p.Ala665Val; replaces alanine 665 with valine.
Molecular consequence: missense variant.
Genome position (GRCh38, 1-based): chr1:2,306,246, C>T. VCF-style: chr1-2306246-C-T. GRCh37 (hg19) VCF-style: chr1-2237685-C-T.
Other names: short protein forms A665V.
Identifiers: ClinVar variation 623666 (VCV000623666.44), dbSNP rs1557854261, ClinGen allele CA337959421.